The following is an entry in ClinVar:

ClinVar aggregate classification (germline): Benign/Likely benign. Review status: criteria provided, multiple submitters, no conflicts (2 of 4 stars). 6 submissions from 6 submitters: Benign (2); Likely benign (3). 1 of the submissions does not count toward it. Last evaluated 2025-12-02.

Conditions:
SNAI2-related disorder. Also called: SNAI2-related condition.
Piebaldism. Also called: Piebald skin depigmentation. Identifiers: Orphanet 2884, MedGen C0080024, MONDO:0008244, OMIM 172800, HP:0007544.

Allele frequency attached by ClinVar (database versions not stated): ExAC 0.00035; gnomAD exomes 0.00041; gnomAD 0.00048; TOPMed 0.00053; 1000 Genomes Project 30x 0.00078; 1000 Genomes Project 0.00080.
gnomAD v4.1: 186 of 1,614,218 alleles (0.012%); highest among the groups gnomAD compares: East Asian, 0.32%; 1 homozygote.

Submissions (6):

Labcorp Genetics (formerly Invitae), Labcorp
Classification: Likely benign. Last evaluated: 2025-12-02. Review status: criteria provided, single submitter. Criteria: Invitae Variant Classification Sherloc (09022015). Collection method: clinical testing. Allele origin: germline.

Laboratory for Molecular Medicine, Mass General Brigham Personalized Medicine
Classification: Benign. Last evaluated: 2019-08-12. Review status: criteria provided, single submitter. Criteria: LMM Criteria. Collection method: clinical testing. Allele origin: germline. Observed: 1 variant allele.
Comment: The p.Ala122Val variant in SNAI2 is classified as benign because, although it has been reported in at least 1 individual with Waardenburg syndrome, it has been identified in 0.546% (109/19952) of East Asian chromosomes, including 1 homozygote, by gnomAD. ACMG/AMP Criteria applied: BA1.

GeneDx
Classification: Benign. Last evaluated: 2019-02-11. Review status: criteria provided, single submitter. Criteria: GeneDx Variant Classification Process June 2021. Collection method: clinical testing. Allele origin: germline. Affected: yes.

Illumina Laboratory Services, Illumina
Classification: Likely benign for Piebaldism. Last evaluated: 2018-01-13. Review status: criteria provided, single submitter. Criteria: ICSL Variant Classification Criteria 13 December 2019. Collection method: clinical testing. Allele origin: germline.
Comment: This variant was observed in the ICSL laboratory as part of a predisposition screen in an ostensibly healthy population. It had not been previously curated by ICSL or reported in the Human Gene Mutation Database (HGMD: prior to June 1st, 2018), and was therefore a candidate for classification through an automated scoring system. Utilizing variant allele frequency, disease prevalence and penetrance estimates, and inheritance mode, an automated score was calculated to assess if this variant is too frequent to cause the disease. Based on the score and internal cut-off values, a variant classified as likely benign is not then subjected to further curation. The score for this variant resulted in a classification of likely benign for this disease.

Breakthrough Genomics
Classification: Likely benign. Review status: criteria provided, single submitter. Criteria: ACMG Guidelines, 2015. Collection method: not provided. Allele origin: germline. Inheritance: Autosomal recessive inheritance. Affected: yes.

PreventionGenetics, part of Exact Sciences
Classification: Likely benign for SNAI2-related condition. Last evaluated: 2019-05-20. Review status: no assertion criteria provided. Collection method: clinical testing. Allele origin: germline. Not counted in ClinVar's aggregate classification.
Comment: This variant is classified as likely benign based on ACMG/AMP sequence variant interpretation guidelines (Richards et al. 2015 PMID: 25741868, with internal and published modifications).

Literature cited by the submitters: PubMed 30936914 (cited by Laboratory for Molecular Medicine, Mass General Brigham Personalized Medicine).

NM_003068.5(SNAI2):c.365C>T (p.Ala122Val)

Gene: SNAI2 (snail family transcriptional repressor 2; minus strand). Cytogenetic location: 8q11.21.
Variant type: single nucleotide variant.
Coding change: c.365C>T on transcript NM_003068.5 (MANE Select); coding-DNA position 365, C replaced by T.
Protein change: p.Ala122Val; replaces alanine 122 with valine.
Molecular consequence: missense variant.
Genome position (GRCh38, 1-based): chr8:48,920,156, G>A on the plus strand (C>T on the coding strand, the complement: SNAI2 is on the minus strand). VCF-style: chr8-48920156-G-A. GRCh37 (hg19) VCF-style: chr8-49832715-G-A.
Other names: short protein forms A122V.
Identifiers: ClinVar variation 708042 (VCV000708042.20), dbSNP rs181954619, ClinGen allele CA4743505.